The following is an entry in ClinVar:

NM_001252024.2(TRPM1):c.4331G>C (p.Arg1444Pro)

Gene: TRPM1 (transient receptor potential cation channel subfamily M member 1; minus strand). Cytogenetic location: 15q13.3.
Variant type: single nucleotide variant.
Coding change: c.4331G>C on transcript NM_001252024.2 (MANE Select); coding-DNA position 4331, G replaced by C.
Protein change: p.Arg1444Pro; replaces arginine 1444 with proline.
Molecular consequence: missense variant.
Genome position (GRCh38, 1-based): chr15:31,002,369, C>G on the plus strand (G>C on the coding strand, the complement: TRPM1 is on the minus strand). VCF-style: chr15-31002369-C-G. GRCh37 (hg19) VCF-style: chr15-31294572-C-G.
Other names: c.4382G>C, p.Arg1461Pro (NM_001252020.2); c.4265G>C, p.Arg1422Pro (NM_002420.6); short protein forms R1461P, R1422P, R1444P.
Identifiers: ClinVar variation 953921 (VCV000953921.9), dbSNP rs748246121, ClinGen allele CA391525598.

ClinVar aggregate classification (germline): Uncertain significance (1 of 4 stars; one submission).

Submission:

Labcorp Genetics (formerly Invitae), Labcorp
Classification: Uncertain significance. Last evaluated: 2024-04-25. Review status: criteria provided, single submitter. Criteria: Invitae Variant Classification Sherloc (09022015). Collection method: clinical testing. Allele origin: germline.
Comment: This sequence change replaces arginine, which is basic and polar, with proline, which is neutral and non-polar, at codon 1422 of the TRPM1 protein (p.Arg1422Pro). This variant is not present in population databases (gnomAD no frequency). This variant has not been reported in the literature in individuals affected with TRPM1-related conditions. ClinVar contains an entry for this variant (Variation ID: 953921). Advanced modeling of protein sequence and biophysical properties (such as structural, functional, and spatial information, amino acid conservation, physicochemical variation, residue mobility, and thermodynamic stability) has been performed at Invitae for this missense variant, however the output from this modeling did not meet the statistical confidence thresholds required to predict the impact of this variant on TRPM1 protein function. In summary, the available evidence is currently insufficient to determine the role of this variant in disease. Therefore, it has been classified as a Variant of Uncertain Significance.